The following is an entry in ClinVar:

ClinVar aggregate classification (germline): Uncertain significance (1 of 4 stars; one submission).

gnomAD v4.1: 2 of 1,611,450 alleles (0.00012%); highest among the groups gnomAD compares: Non-Finnish European, 0.00017%; no homozygotes.

Submission:

Labcorp Genetics (formerly Invitae), Labcorp
Classification: Uncertain significance. Last evaluated: 2025-01-24. Review status: criteria provided, single submitter. Criteria: Invitae Variant Classification Sherloc (09022015). Collection method: clinical testing. Allele origin: germline.
Comment: This sequence change replaces histidine, which is basic and polar, with tyrosine, which is neutral and polar, at codon 811 of the IL12RB2 protein (p.His811Tyr). This variant is not present in population databases (gnomAD no frequency). This variant has not been reported in the literature in individuals affected with IL12RB2-related conditions. An algorithm developed to predict the effect of missense changes on protein structure and function (PolyPhen-2) suggests that this variant is likely to be tolerated. In summary, the available evidence is currently insufficient to determine the role of this variant in disease. Therefore, it has been classified as a Variant of Uncertain Significance.

NM_001374259.2(IL12RB2):c.2431C>T (p.His811Tyr)

Gene: IL12RB2 (interleukin 12 receptor subunit beta 2; plus strand). Cytogenetic location: 1p31.3.
Variant type: single nucleotide variant.
Coding change: c.2431C>T on transcript NM_001374259.2 (MANE Select); coding-DNA position 2431, C replaced by T.
Protein change: p.His811Tyr; replaces histidine 811 with tyrosine.
Molecular consequence: missense variant. On other transcripts: 3 prime UTR variant (3), non-coding transcript variant (2).
Genome position (GRCh38, 1-based): chr1:67,395,931, C>T. VCF-style: chr1-67395931-C-T. GRCh37 (hg19) VCF-style: chr1-67861614-C-T.
Other names: c.*351C>T (NM_001258214.1, NM_001319233.1); c.2173C>T, p.His725Tyr (NM_001258215.1); c.*332C>T (NM_001258216.1); c.2431C>T, p.His811Tyr (NM_001559.3); short protein forms H725Y, H811Y.
Identifiers: ClinVar variation 3725112 (VCV003725112.2).